The following is an entry in ClinVar:

ClinVar aggregate classification (germline): Pathogenic. Review status: criteria provided, multiple submitters, no conflicts (2 of 4 stars). 2 submissions from 2 submitters: Pathogenic (2). Last evaluated 2026-09-24.

Conditions:
ABCC2-related disorder. Also called: ABCC2-related condition.

Allele frequency attached by ClinVar (database versions not stated): gnomAD exomes below 0.00001; ExAC 0.00001.
gnomAD v4.1: 3 of 1,614,136 alleles (0.00019%); highest among the groups gnomAD compares: South Asian, 0.0011%; no homozygotes.

Submissions (2):

PreventionGenetics, part of Exact Sciences
Classification: Pathogenic for ABCC2-related condition. Last evaluated: 2026-09-24. Review status: criteria provided, single submitter. Criteria: ACMG Guidelines, 2015. Collection method: clinical testing. Allele origin: germline.
Comment: The ABCC2 c.1325G>A variant is predicted to result in premature protein termination (p.Trp442*). To our knowledge, this variant has not been reported in the literature. This variant is reported in 0.0033% of alleles in individuals of South Asian descent in gnomAD. An alternate nucleotide variant at the same genomic position (c.1326G>A, p.Trp442*) has been reported in individuals with intrahepatic cholestasis or Dubin-Johnson syndrome (Xiang et al. 2017. PubMed ID: 28713894; You et al. 2021. PubMed ID: 34150028; Supplemental Table 5, Peng et al. 2025). Nonsense variants in ABCC2 are expected to be pathogenic. The c.1325G>A variant is interpreted as pathogenic.

Eurofins Ntd Llc (ga)
Classification: Pathogenic. Last evaluated: 2017-09-29. Review status: criteria provided, single submitter. Criteria: EGL Classification Definitions 2015. Collection method: clinical testing. Allele origin: germline. Observed: 1 variant allele, 1 heterozygote.

NM_000392.5(ABCC2):c.1325G>A (p.Trp442Ter)

Gene: ABCC2 (ATP binding cassette subfamily C member 2; plus strand). Cytogenetic location: 10q24.2.
Variant type: single nucleotide variant.
Coding change: c.1325G>A on transcript NM_000392.5 (MANE Select); coding-DNA position 1325, G replaced by A.
Protein change: p.Trp442Ter; replaces tryptophan 442 with a stop codon.
Molecular consequence: nonsense.
Genome position (GRCh38, 1-based): chr10:99,804,134, G>A. VCF-style: chr10-99804134-G-A. GRCh37 (hg19) VCF-style: chr10-101563891-G-A.
Other names: c.1325G>A, p.Trp442Ter (LRG_1208t1); c.1325G>A (NM_000392.4); short protein forms W442*.
Identifiers: ClinVar variation 594246 (VCV000594246.10), dbSNP rs776087856, ClinGen allele CA5643145.
Genomic context (GRCh38, chr10:99,804,134, plus strand): 5'-ACCTGATGTCTGTGGATGCCCAGAAGCTCATGGATGTGACCAACTTCATGCACATGCTGT[G>A]GTCAAGTGTTCTACAGATTGTCTTATCTATCTTCTTCCTATGGAGAGAGTTGGGACCCTC-3'